The following is an entry in ClinVar:

ClinVar aggregate classification (germline): Conflicting classifications of pathogenicity. Review status: criteria provided, conflicting classifications (1 of 4 stars). 3 submissions from 3 submitters: Uncertain significance (2); Likely benign (1). Last evaluated 2026-02-02.

Conditions:
Inborn genetic diseases. Identifiers: MedGen C0950123, MeSH D030342.
Developmental and epileptic encephalopathy, 7 (DEE7). Also called: KCNQ2-Related Neonatal-Onset Developmental and Epileptic Encephalopathy (NEO-DEE); Early infantile epileptic encephalopathy 7; KCNQ2-Related Neonatal Epileptic Encephalopathy. Identifiers: Orphanet 439218, MedGen C3150986, MONDO:0013387, OMIM 613720.
Seizures, benign familial neonatal, 1. Also called: Benign Neonatal Epilepsy 1; KCNQ2-Related Self-Limited Familial Neonatal Epilepsy (SLFNE); Seizures, benign neonatal, 1; KCNQ2-Related Benign Familial Neonatal Epilepsy. Identifiers: Orphanet 1949, MedGen C3149074, MONDO:0007365, OMIM 121200.
Early-infantile DEE. Also called: Ohtahara syndrome; Early infantile epileptic encephalopathy with suppression bursts; Early infantile epileptic encephalopathy. Identifiers: Orphanet 1934, MedGen C0393706, MONDO:0800491.

Allele frequency attached by ClinVar (database versions not stated): gnomAD 0.00001; gnomAD exomes 0.00002; TOPMed 0.00002; ExAC 0.00006.
gnomAD v4.1: 22 of 1,610,854 alleles (0.0014%); highest among the groups gnomAD compares: South Asian, 0.0033%; no homozygotes.

Submissions (3):

Labcorp Genetics (formerly Invitae), Labcorp
Classification: Uncertain significance for Early-infantile DEE. Last evaluated: 2026-02-02. Review status: criteria provided, single submitter. Criteria: Invitae Variant Classification Sherloc (09022015). Collection method: clinical testing. Allele origin: germline.
Comment: This sequence change replaces glycine, which is neutral and non-polar, with arginine, which is basic and polar, at codon 431 of the KCNQ2 protein (p.Gly431Arg). This variant is present in population databases (rs746853951, gnomAD 0.01%). This variant has not been reported in the literature in individuals affected with KCNQ2-related conditions. ClinVar contains an entry for this variant (Variation ID: 1691288). Invitae Evidence Modeling of protein sequence and biophysical properties (such as structural, functional, and spatial information, amino acid conservation, physicochemical variation, residue mobility, and thermodynamic stability) has been performed for this missense variant. However, the output from this modeling did not meet the statistical confidence thresholds required to predict the impact of this variant on KCNQ2 protein function. In summary, the available evidence is currently insufficient to determine the role of this variant in disease. Therefore, it has been classified as a Variant of Uncertain Significance.

Ambry Genetics
Classification: Likely benign for Inborn genetic diseases. Last evaluated: 2024-10-17. Review status: criteria provided, single submitter. Criteria: Ambry Variant Classification Scheme 2023. Collection method: clinical testing. Allele origin: germline.

Diagnostics Services (NGS), CSIR - Centre For Cellular And Molecular Biology
Classification: Uncertain significance for Developmental and epileptic encephalopathy, 7; Seizures, benign familial neonatal, 1. Last evaluated: 2022-03-25. Review status: criteria provided, single submitter. Criteria: ACMG Guidelines, 2015. Collection method: clinical testing. Allele origin: unknown. Inheritance: Autosomal dominant inheritance. Affected: yes. Observed: 1 variant allele, 1 heterozygote.
Comment: The c.1291G>A variant is not present in publicly available population databases like 1000 Genomes, Exome Variant Server (EVS) and Indian Exome Database. The heterozygous state of the variant is present in Exome Aggregation Consortium (ExAC) and Genome Aggregation Database (gnomAD), at a very low frequency. The variant is not present in our in-house exome database. The variant was not previously reported to Clinvar, Human Genome Mutation Database (HGMD) and/or OMIM databases, in any affected individuals. Predictions from different in-silico pathogenicity prediction programs like SIFT, Polyphem-2, MutationTaster2, CADD, Varsome etc. are contradictory. Different algorithms to predict mRNA splicing abnormalities, predicted this variant to potentially affect splicing by activating a cryptic acceptor site, however these predictions were not confirmed by any publiahed transcriptional studies.

NM_172107.4(KCNQ2):c.1291G>A (p.Gly431Arg)

Gene: KCNQ2 (potassium voltage-gated channel subfamily Q member 2; minus strand). Cytogenetic location: 20q13.33.
Variant type: single nucleotide variant.
Coding change: c.1291G>A on transcript NM_172107.4 (MANE Select); coding-DNA position 1291, G replaced by A.
Protein change: p.Gly431Arg; replaces glycine 431 with arginine.
Molecular consequence: missense variant. On other transcripts: intron variant (4).
Genome position (GRCh38, 1-based): chr20:63,419,629, C>T on the plus strand (G>A on the coding strand, the complement: KCNQ2 is on the minus strand). VCF-style: chr20-63419629-C-T. GRCh37 (hg19) VCF-style: chr20-62050982-C-T.
Other names: c.1291G>A (NM_172107.2); c.1218-4503G>A (NM_004518.6); c.1248-4539G>A (NM_172108.5); c.1248-4503G>A (NM_172106.3, NM_001382235.1); short protein forms G431R.
Identifiers: ClinVar variation 1691288 (VCV001691288.8), dbSNP rs746853951, ClinGen allele CA9958513.